The following is an entry in ClinVar:

NM_201384.3(PLEC):c.10037C>G (p.Ser3346Cys)

Gene: PLEC (plectin; minus strand). Cytogenetic location: 8q24.3.
Variant type: single nucleotide variant.
Coding change: c.10037C>G on transcript NM_201384.3 (MANE Select); coding-DNA position 10037, C replaced by G.
Protein change: p.Ser3346Cys; replaces serine 3346 with cysteine.
Molecular consequence: missense variant.
Genome position (GRCh38, 1-based): chr8:143,919,784, G>C on the plus strand (C>G on the coding strand, the complement: PLEC is on the minus strand). VCF-style: chr8-143919784-G-C. GRCh37 (hg19) VCF-style: chr8-144993952-G-C.
Other names: c.10118C>G, p.Ser3373Cys (NM_000445.5); c.9995C>G, p.Ser3332Cys (NM_201378.4); c.9971C>G, p.Ser3324Cys (NM_201379.3); c.10448C>G, p.Ser3483Cys (NM_201380.4); c.9941C>G, p.Ser3314Cys (NM_201381.3); c.10037C>G, p.Ser3346Cys (NM_201382.4); c.10049C>G, p.Ser3350Cys (NM_201383.3); c.10118C>G (NM_000445.3); short protein forms S3346C, S3332C, S3373C, S3483C, S3314C, S3324C, S3350C.
Identifiers: ClinVar variation 538924 (VCV000538924.11), dbSNP rs368616323, ClinGen allele CA4924781.
Genomic context (GRCh38, chr8:143,919,784, plus strand): 5'-TTGGTGTCCTCCAGGTAGATGCCGGCGAGGCAGCCACTGCCCTGCAGCAGCGTCCGCACG[G>C]AGCCCAGCTCCGAAAGGTCCTTGACCGTCGTCTTGCCGTCCTTGAGCTGCTCAAACTGGG-3'
Protein context (NP_958786.1, residues 3336-3356): TTVKDLSELG[Ser3346Cys]VRTLLQGSGC

ClinVar aggregate classification (germline): Uncertain significance. Review status: criteria provided, multiple submitters, no conflicts (2 of 4 stars). 2 submissions from 2 submitters: Uncertain significance (2). Last evaluated 2025-08-10.

Conditions:
Epidermolysis bullosa simplex with nail dystrophy (EBS5D). Identifiers: MedGen C4225309, MONDO:0014661, OMIM 616487.
Epidermolysis bullosa simplex 5B, with muscular dystrophy (EBS5B). Also called: EPIDERMOLYSIS BULLOSA SIMPLEX AND LIMB-GIRDLE MUSCULAR DYSTROPHY; Epidermolysis bullosa simplex with muscular dystrophy. Identifiers: Orphanet 257, MedGen C2931072, MONDO:0009181, OMIM 226670.
Epidermolysis bullosa simplex, Ogna type (EBS5A). Also called: Pidermolysis bullosa simplex 5A, Ogna type; EPIDERMOLYSIS BULLOSA SIMPLEX 5A, OGNA TYPE. Identifiers: Orphanet 79401, MedGen C0432317, MONDO:0007555, OMIM 131950.
Autosomal recessive limb-girdle muscular dystrophy type 2Q (LGMDR17). Also called: MUSCULAR DYSTROPHY, LIMB-GIRDLE, AUTOSOMAL RECESSIVE 17. Identifiers: Orphanet 254361, MedGen C3150989, MONDO:0013390, OMIM 613723.
Epidermolysis bullosa simplex 5C, with pyloric atresia (EBS5C). Also called: PLEC-Related Epidermolysis Bullosa with Pyloric Atresia; Epidermolysis bullosa simplex with pyloric atresia; PLEC1-Related Epidermolysis Bullosa with Pyloric Atresia. Identifiers: Orphanet 158684, MedGen C2677349, MONDO:0012807, OMIM 612138.

Allele frequency attached by ClinVar (database versions not stated): gnomAD 0.00001; TOPMed 0.00002.
gnomAD v4.1: 57 of 1,612,378 alleles (0.0035%); highest among the groups gnomAD compares: Non-Finnish European, 0.0048%; no homozygotes.

Submissions (2):

Labcorp Genetics (formerly Invitae), Labcorp
Classification: Uncertain significance for Autosomal recessive limb-girdle muscular dystrophy type 2Q; Epidermolysis bullosa simplex, Ogna type; Epidermolysis bullosa simplex with nail dystrophy; Epidermolysis bullosa simplex 5C, with pyloric atresia; Epidermolysis bullosa simplex 5B, with muscular dystrophy. Last evaluated: 2025-08-10. Review status: criteria provided, single submitter. Criteria: Invitae Variant Classification Sherloc (09022015). Collection method: clinical testing. Allele origin: germline.
Comment: This sequence change replaces serine, which is neutral and polar, with cysteine, which is neutral and slightly polar, at codon 3373 of the PLEC protein (p.Ser3373Cys). This variant is present in population databases (rs368616323, gnomAD 0.004%). This variant has not been reported in the literature in individuals affected with PLEC-related conditions. ClinVar contains an entry for this variant (Variation ID: 538924). An algorithm developed to predict the effect of missense changes on protein structure and function (PolyPhen-2) suggests that this variant is likely to be disruptive. In summary, the available evidence is currently insufficient to determine the role of this variant in disease. Therefore, it has been classified as a Variant of Uncertain Significance.

Revvity Omics, Revvity
Classification: Uncertain significance. Last evaluated: 2019-02-14. Review status: criteria provided, single submitter. Criteria: ACMG Guidelines, 2015. Collection method: clinical testing. Allele origin: germline.